The following is an entry in ClinVar:

ClinVar aggregate classification (germline): Pathogenic. Review status: criteria provided, single submitter (1 of 4 stars). 3 submissions from 3 submitters: Pathogenic (1). 2 of the submissions do not count toward it. Last evaluated 2024-10-04.

Conditions:
Agenesis of the corpus callosum with peripheral neuropathy (ACCPN). Also called: CHARLEVOIX DISEASE; Hereditary Motor and Sensory Neuropathy with Agenesis of the Corpus Callosum; POLYNEUROPATHY, SENSORIMOTOR, WITH OR WITHOUT AGENESIS OF THE CORPUS CALLOSUM; HMSN/ACC. Identifiers: Orphanet 1496, MedGen C0795950, MONDO:0000902, OMIM 218000. Disease mechanism: loss of function.

Submissions (3):

Myriad Genetics, Inc.
Classification: Pathogenic for Agenesis of the corpus callosum with peripheral neuropathy. Last evaluated: 2024-10-04. Review status: criteria provided, single submitter. Criteria: Myriad Autosomal Dominant, Autosomal Recessive and X-Linked Classification Criteria (2023). Collection method: clinical testing. Allele origin: unknown.
Comment: NM_133647.1(SLC12A6):c.2032dupT(Y678Lfs*41) is expected to be pathogenic in the context of Andermann syndrome. This variant is predicted to lead to an abnormal or absent protein product due to the creation of a premature termination codon in SLC12A6, a gene where loss-of-function variants are known to be pathogenic. Please note: this variant was assessed in the context of healthy population screening.

OMIM
Classification: Pathogenic for AGENESIS OF THE CORPUS CALLOSUM WITH PERIPHERAL NEUROPATHY. Last evaluated: 2006-04-11. Review status: no assertion criteria provided. Collection method: literature only. Allele origin: germline. Not counted in ClinVar's aggregate classification.

GeneReviews
No classification provided. Condition: Agenesis of the corpus callosum with peripheral neuropathy. Review status: no classification provided. Collection method: literature only. Allele origin: germline. Affected: yes. Not counted in ClinVar's aggregate classification.

Literature cited by the submitters: PubMed 16606917 (cited by OMIM); NCBI Bookshelf NBK1372 (cited by GeneReviews).

NM_001365088.1(SLC12A6):c.2032dup (p.Tyr678fs)

Gene: SLC12A6 (solute carrier family 12 member 6; minus strand). Cytogenetic location: 15q14.
Variant type: Duplication.
Coding change: c.2032dup on transcript NM_001365088.1 (MANE Select); coding-DNA position 2032, one base duplicated (T; older notation c.2032dupT).
Protein change: p.Tyr678fs; shifts the reading frame from tyrosine 678.
Molecular consequence: frameshift variant.
Genome position (GRCh38, 1-based): chr15:34,243,984, A duplicated on the plus strand (T on the coding strand, the reverse complement: SLC12A6 is on the minus strand). VCF-style (leftmost placement, unchanged base first): chr15-34243983-T-TA. GRCh37 (hg19) VCF-style: chr15-34536184-T-TA.
Other names: NP_598408.1:p.Tyr678LeufsTer41; c.1855dup, p.Tyr619fs (NM_001042494.2, NM_001042495.2); c.2005dup, p.Tyr669fs (NM_001042496.2); c.1987dup, p.Tyr663fs (NM_001042497.2); c.1879dup, p.Tyr627fs (NM_005135.2); c.2032dup, p.Tyr678fs (NM_133647.2); short protein forms Y669fs, Y678fs, Y627fs, Y663fs, Y619fs.
Identifiers: ClinVar variation 136176 (VCV000136176.4), dbSNP rs515726217, ClinGen allele CA345671.
Genomic context (GRCh38, chr15:34,243,983, plus strand): 5'-AGATGGGTTCTCTCCAAACGTGAGTAAAAAGAATAAAAGAAGCAGACTTACCAATGGTAG[T>TA]AGCGGAATCGGGGTCTCCAGTTGGGTGTTCGAAGTAATGTTTGCAAGGCACATGCCAAGT-3'